The following is an entry in ClinVar:

ClinVar aggregate classification (germline): Uncertain significance (1 of 4 stars; one submission).

gnomAD v4.1: 2 of 1,614,224 alleles (0.00012%); highest among the groups gnomAD compares: Non-Finnish European, 0.00017%; no homozygotes.

Submission:

Ambry Genetics
Classification: Uncertain significance. Last evaluated: 2023-12-26. Review status: criteria provided, single submitter. Criteria: Ambry Variant Classification Scheme 2023. Collection method: clinical testing. Allele origin: germline.
Comment: The p.T1013P variant (also known as c.3037A>C), located in coding exon 1 of the MLH3 gene, results from an A to C substitution at nucleotide position 3037. The threonine at codon 1013 is replaced by proline, an amino acid with highly similar properties. This amino acid position is conserved. In addition, this alteration is predicted to be tolerated by in silico analysis. Since supporting evidence is limited at this time, the clinical significance of this alteration remains unclear.

NM_001040108.2(MLH3):c.3037A>C (p.Thr1013Pro)

Gene: MLH3 (mutL homolog 3; minus strand). Cytogenetic location: 14q24.3.
Variant type: single nucleotide variant.
Coding change: c.3037A>C on transcript NM_001040108.2 (MANE Select); coding-DNA position 3037, A replaced by C.
Protein change: p.Thr1013Pro; replaces threonine 1013 with proline.
Molecular consequence: missense variant.
Genome position (GRCh38, 1-based): chr14:75,046,619, T>G on the plus strand (A>C on the coding strand, the complement: MLH3 is on the minus strand). VCF-style: chr14-75046619-T-G. GRCh37 (hg19) VCF-style: chr14-75513322-T-G.
Other names: c.3037A>C, p.Thr1013Pro (NM_014381.3); short protein forms T1013P.
Identifiers: ClinVar variation 3232517 (VCV003232517.1), dbSNP rs2503255308, ClinGen allele CA390436795.